The following is an entry in ClinVar:

ClinVar aggregate classification (germline): Likely benign (0 of 4 stars; one submission).

Conditions:
WDPCP-related disorder. Also called: WDPCP-related condition.

gnomAD v4.1: 1 of 1,613,440 alleles (0.000062%); highest among the groups gnomAD compares: Non-Finnish European, 0.000085%; no homozygotes.

Submission:

PreventionGenetics, part of Exact Sciences
Classification: Likely benign for WDPCP-related condition. Last evaluated: 2021-10-28. Review status: no assertion criteria provided. Collection method: clinical testing. Allele origin: germline.
Comment: This variant is classified as likely benign based on ACMG/AMP sequence variant interpretation guidelines (Richards et al. 2015 PMID: 25741868, with internal and published modifications).

NM_015910.7(WDPCP):c.1599A>G (p.Arg533=)

Gene: WDPCP (WD repeat containing planar cell polarity effector; minus strand). Cytogenetic location: 2p15.
Variant type: single nucleotide variant.
Coding change: c.1599A>G on transcript NM_015910.7 (MANE Select); coding-DNA position 1599, A replaced by G.
Protein change: p.Arg533=; no amino-acid change (arginine 533 retained).
Molecular consequence: synonymous variant. On other transcripts: non-coding transcript variant (3).
Genome position (GRCh38, 1-based): chr2:63,381,931, T>C on the plus strand (A>G on the coding strand, the complement: WDPCP is on the minus strand). VCF-style: chr2-63381931-T-C. GRCh37 (hg19) VCF-style: chr2-63609066-T-C.
Other names: c.1122A>G, p.Arg374= (NM_001042692.3); c.1527A>G, p.Arg509= (NM_001354044.2); c.1599A>G, p.Arg533= (NM_001354045.2).
Identifiers: ClinVar variation 3355153 (VCV003355153.1).